The following is an entry in ClinVar:

NM_006267.5(RANBP2):c.5452C>T (p.Pro1818Ser)

Gene: RANBP2 (RAN binding protein 2; plus strand). Cytogenetic location: 2q13.
Variant type: single nucleotide variant.
Coding change: c.5452C>T on transcript NM_006267.5 (MANE Select); coding-DNA position 5452, C replaced by T.
Protein change: p.Pro1818Ser; replaces proline 1818 with serine.
Molecular consequence: missense variant.
Genome position (GRCh38, 1-based): chr2:108,765,991, C>T. VCF-style: chr2-108765991-C-T. GRCh37 (hg19) VCF-style: chr2-109382447-C-T.
Other names: short protein forms P1818S.
Identifiers: ClinVar variation 469471 (VCV000469471.9), dbSNP rs1291246599, ClinGen allele CA348072899.
Genomic context (GRCh38, chr2:108,765,991, plus strand): 5'-TCCTTAAAATGTGTGGCTTGTGATGCCTCTAAACCAACTCATAAACCTATTGCAGAAGCT[C>T]CTTCAGCTTTCACACTGGGCTCAGAAATGAAGTTGCATGACTCTTCTGGAAGTCAGGTGG-3'
Protein context (NP_006258.3, residues 1808-1828): KPTHKPIAEA[Pro1818Ser]SAFTLGSEMK

ClinVar aggregate classification (germline): Uncertain significance (1 of 4 stars; one submission).

Conditions:
Familial acute necrotizing encephalopathy (IIAE3). Also called: Susceptibility to Acute Necrotizing Encephalopathy 1; ENCEPHALOPATHY, ACUTE, INFECTION-INDUCED, SUSCEPTIBILITY TO, 3. Identifiers: Orphanet 88619, MedGen C2675556, MONDO:0011953, OMIM 608033.

Allele frequency attached by ClinVar (database versions not stated): gnomAD 0.00001; TOPMed 0.00001.
gnomAD v4.1: 1 of 1,614,014 alleles (0.000062%); highest among the groups gnomAD compares: Non-Finnish European, 0.000085%; no homozygotes.

Submission:

Labcorp Genetics (formerly Invitae), Labcorp
Classification: Uncertain significance for Familial acute necrotizing encephalopathy. Last evaluated: 2022-03-03. Review status: criteria provided, single submitter. Criteria: Invitae Variant Classification Sherloc (09022015). Collection method: clinical testing. Allele origin: germline.
Comment: This variant has not been reported in the literature in individuals affected with RANBP2-related conditions. In summary, the available evidence is currently insufficient to determine the role of this variant in disease. Therefore, it has been classified as a Variant of Uncertain Significance. Algorithms developed to predict the effect of missense changes on protein structure and function output the following: SIFT: "Tolerated"; PolyPhen-2: "Benign"; Align-GVGD: "Class C0". The serine amino acid residue is found in multiple mammalian species, which suggests that this missense change does not adversely affect protein function. ClinVar contains an entry for this variant (Variation ID: 469471). This variant is not present in population databases (gnomAD no frequency). This sequence change replaces proline, which is neutral and non-polar, with serine, which is neutral and polar, at codon 1818 of the RANBP2 protein (p.Pro1818Ser).